The following is an entry in ClinVar:

ClinVar aggregate classification (germline): Pathogenic (1 of 4 stars; one submission).

Submission:

Labcorp Genetics (formerly Invitae), Labcorp
Classification: Pathogenic. Last evaluated: 2018-08-25. Review status: criteria provided, single submitter. Criteria: Invitae Variant Classification Sherloc (09022015). Collection method: clinical testing. Allele origin: germline.
Comment: This variant is not present in population databases (ExAC no frequency). This sequence change creates a premature translational stop signal (p.Pro41Leufs*43) in the HOGA1 gene. It is expected to result in an absent or disrupted protein product. This variant has not been reported in the literature in individuals with HOGA1-related disease. For these reasons, this variant has been classified as Pathogenic. Loss-of-function variants in HOGA1 are known to be pathogenic (PMID: 22391140, 22781098).

Literature cited by the submitters: PubMed 22391140; PubMed 22781098.

NM_138413.4(HOGA1):c.122_135del (p.Pro41fs)

Gene: HOGA1 (4-hydroxy-2-oxoglutarate aldolase 1; plus strand). Cytogenetic location: 10q24.2.
Variant type: Deletion.
Coding change: c.122_135del on transcript NM_138413.4 (MANE Select); coding-DNA positions 122 to 135, 14 bases deleted (CTGTGACCACCCCC).
Protein change: p.Pro41fs; shifts the reading frame from proline 41.
Molecular consequence: frameshift variant.
Genome position (GRCh38, 1-based): chr10:97,584,825-97,584,838, CTGTGACCACCCCC deleted; deleting any 14 consecutive bases within chr10:97,584,819-97,584,838 gives the same sequence; the c. name uses the placement nearest the transcript's 3' end. VCF-style (leftmost placement, unchanged base first): chr10-97584818-TACCCCCCTGTGACC-T. GRCh37 (hg19) VCF-style: chr10-99344575-TACCCCCCTGTGACC-T.
Other names: c.122_135del, p.Pro41fs (NM_001134670.2); short protein forms P41fs.
Identifiers: ClinVar variation 652071 (VCV000652071.6), dbSNP rs1589899290, ClinGen allele CA915947523.